The following is an entry in ClinVar:

ClinVar aggregate classification (germline): Uncertain significance (1 of 4 stars; one submission).

Allele frequency attached by ClinVar (database versions not stated): gnomAD 0.00001; TOPMed 0.00002.
gnomAD v4.1: 11 of 1,210,876 alleles (0.00091%); highest among the groups gnomAD compares: Admixed American, 0.0022%; no homozygotes.

Submission:

Labcorp Genetics (formerly Invitae), Labcorp
Classification: Uncertain significance. Last evaluated: 2022-07-05. Review status: criteria provided, single submitter. Criteria: Invitae Variant Classification Sherloc (09022015). Collection method: clinical testing. Allele origin: germline.
Comment: In summary, the available evidence is currently insufficient to determine the role of this variant in disease. Therefore, it has been classified as a Variant of Uncertain Significance. Algorithms developed to predict the effect of missense changes on protein structure and function (SIFT, PolyPhen-2, Align-GVGD) all suggest that this variant is likely to be tolerated. This variant has not been reported in the literature in individuals affected with NSDHL-related conditions. This variant is present in population databases (no rsID available, gnomAD 0.02%). This sequence change replaces proline, which is neutral and non-polar, with leucine, which is neutral and non-polar, at codon 209 of the NSDHL protein (p.Pro209Leu).

NM_015922.3(NSDHL):c.626C>T (p.Pro209Leu)

Gene: NSDHL (NAD(P) dependent 3-beta-hydroxysteroid dehydrogenase NSDHL; plus strand). Cytogenetic location: Xq28.
Variant type: single nucleotide variant.
Coding change: c.626C>T on transcript NM_015922.3 (MANE Select); coding-DNA position 626, C replaced by T.
Protein change: p.Pro209Leu; replaces proline 209 with leucine.
Molecular consequence: missense variant.
Genome position (GRCh38, 1-based): chrX:152,865,901, C>T. VCF-style: chrX-152865901-C-T. GRCh37 (hg19) VCF-style: chrX-152034445-C-T.
Other names: c.626C>T, p.Pro209Leu (NM_001129765.2); short protein forms P209L.
Identifiers: ClinVar variation 2162588 (VCV002162588.4), dbSNP rs1445268992, ClinGen allele CA415286653.
Genomic context (GRCh38, chrX:152,865,901, plus strand): 5'-CTGAGAAGAATTTCTTAACCACAGCCATCCGCCCTCATGGCATTTTCGGCCCAAGGGACC[C>T]GCAGTTGGTACCCATCCTCATCGAGGCAGCCAGGAACGGCAAGATGAAGTTCGTGATTGG-3'
Protein context (NP_057006.1, residues 199-219): RPHGIFGPRD[Pro209Leu]QLVPILIEAA